The following is an entry in ClinVar:

ClinVar aggregate classification (germline): Pathogenic/Likely pathogenic. Review status: criteria provided, multiple submitters, no conflicts (2 of 4 stars). 6 submissions from 6 submitters: Pathogenic (4); Likely pathogenic (2). Last evaluated 2024-12-11.

Conditions:
Infantile neuroaxonal dystrophy (NBIA2A). Also called: NEURODEGENERATION WITH BRAIN IRON ACCUMULATION 2A; SEITELBERGER DISEASE; Infantile neuroaxonal dystrophy 1. Identifiers: Orphanet 35069, MedGen C0270724, MONDO:0024457, OMIM 256600.
Neurodegeneration with brain iron accumulation 2B. Also called: aNAD; atypical Neuroaxonal Dystrophy (aNAD); NEUROAXONAL DYSTROPHY, ATYPICAL; NEURODEGENERATION WITH BRAIN IRON ACCUMULATION, PLA2G6-RELATED. Identifiers: Orphanet 35069, MedGen C1857747, MONDO:0012444, OMIM 610217.
Autosomal recessive Parkinson disease 14. Also called: PARKINSON DISEASE 14; DYSTONIA-PARKINSONISM, ADULT-ONSET. Identifiers: Orphanet 199351, MedGen C2751842, MONDO:0013060, OMIM 612953.
PLA2G6-associated neurodegeneration (PLAN). Also called: phospholipase A2-associated neurodegeneration. Identifiers: Orphanet 329303, MedGen CN204472, MONDO:0017998.
Neurodegeneration with brain iron accumulation (NBIA). Identifiers: Orphanet 385, MedGen C2931845, MONDO:0018307.

Allele frequency attached by ClinVar (database versions not stated): gnomAD 0.00001; gnomAD exomes 0.00001 and 0.00002; TOPMed 0.00002; ExAC 0.00003; ESP Exome Variant Server 0.00008.
gnomAD v4.1: 23 of 1,613,640 alleles (0.0014%); highest among the groups gnomAD compares: East Asian, 0.0022%; no homozygotes.

Submissions (6):

GeneDx
Classification: Likely pathogenic. Last evaluated: 2024-12-11. Review status: criteria provided, single submitter. Criteria: GeneDx Variant Classification Process June 2021. Collection method: clinical testing. Allele origin: germline. Affected: yes.
Comment: Observed with a second disease associated variant, phase (cis or trans) unknown, in a patient with neuroaxonal dystrophy in published literature (PMID: 24745848); Not observed at significant frequency in large population cohorts (gnomAD); In silico analysis supports that this missense variant has a deleterious effect on protein structure/function; Also denoted as R546W due to alternative nomenclature; This variant is associated with the following publications: (PMID: 35911906, 31516627, 32357911, 24745848, 39202603, 34168672)

Fulgent Genetics
Classification: Pathogenic for Infantile neuroaxonal dystrophy; Neurodegeneration with brain iron accumulation 2B; Autosomal recessive Parkinson disease 14. Last evaluated: 2024-03-14. Review status: criteria provided, single submitter. Criteria: ACMG Guidelines, 2015. Collection method: clinical testing. Allele origin: germline.

Labcorp Genetics (formerly Invitae), Labcorp
Classification: Pathogenic for Infantile neuroaxonal dystrophy. Last evaluated: 2023-02-22. Review status: criteria provided, single submitter. Criteria: Invitae Variant Classification Sherloc (09022015). Collection method: clinical testing. Allele origin: germline.
Comment: This sequence change replaces arginine, which is basic and polar, with tryptophan, which is neutral and slightly polar, at codon 600 of the PLA2G6 protein (p.Arg600Trp). This variant is present in population databases (rs368008077, gnomAD 0.006%). This missense change has been observed in individual(s) with infantile neuroaxonal dystrophy (PMID: 24745848, 31516627, 34168672). In at least one individual the data is consistent with being in trans (on the opposite chromosome) from a pathogenic variant. It has also been observed to segregate with disease in related individuals. This variant is also known as p.R546W. ClinVar contains an entry for this variant (Variation ID: 1197568). Advanced modeling of protein sequence and biophysical properties (such as structural, functional, and spatial information, amino acid conservation, physicochemical variation, residue mobility, and thermodynamic stability) performed at Invitae indicates that this missense variant is expected to disrupt PLA2G6 protein function. This variant disrupts the p.Arg600 amino acid residue in PLA2G6. Other variant(s) that disrupt this residue have been determined to be pathogenic (PMID: 20619503, 26668131, 33619735). This suggests that this residue is clinically significant, and that variants that disrupt this residue are likely to be disease-causing. For these reasons, this variant has been classified as Pathogenic.

Broad Center for Mendelian Genomics, Broad Institute of MIT and Harvard
Classification: Likely pathogenic for PLA2G6-associated neurodegeneration. Last evaluated: 2023-01-24. Review status: criteria provided, single submitter. Criteria: ACMG Guidelines, 2015. Collection method: curation. Allele origin: germline. Inheritance: Autosomal recessive inheritance.
Comment: The p.Arg600Trp variant in PLA2G6 has been reported in 4 individuals with PLA2G6-associated neurodegeneration (PMID: 24745848, 34168672, 31516627, 32357911), and has been identified in 0.005% (1/18392) of East Asian chromosomes by the Genome Aggregation Database (gnomAD; dbSNP ID: rs368008077). Although this variant has been seen in the general population in a heterozygous state, its frequency is low enough to be consistent with a recessive carrier frequency. This variant has also been reported in ClinVar (Variation ID#: 159741) and has been interpreted as likely pathogenic by GeneDx. Of the 4 affected individuals, 2 were compound heterozygotes that carried reported likely pathogenic variants in trans and with unknown phase, 1 was a compound heterozygote that carried a variant of uncertain significance in trans, and 1 was a compound heterozygote that carried a reported pathogenic variant with unknown phase, which increases the likelihood that the p.Arg600Trp variant is pathogenic (Variant ID: 159749, 265448; PMID: 24745848, 34168672, 31516627, 32357911). Computational prediction tools and conservation analyses suggest that this variant may impact the protein, though this information is not predictive enough to determine pathogenicity. In summary, although additional studies are required to fully establish its clinical significance, this variant is likely pathogenic for autosomal recessive PLA2G6-associated neurodegeneration. ACMG/AMP Criteria applied: PP3, PM2_supporting, PM3_strong (Richards 2015).

Women's Health and Genetics/Laboratory Corporation of America, LabCorp
Classification: Pathogenic for Neurodegeneration with brain iron accumulation. Last evaluated: 2022-05-05. Review status: criteria provided, single submitter. Criteria: LabCorp Variant Classification Summary - May 2015. Collection method: clinical testing. Allele origin: germline.
Comment: Variant summary: PLA2G6 c.1798C>T (p.Arg600Trp) results in a non-conservative amino acid change located in the Patatin-like phospholipase domain (IPR002641) of the encoded protein sequence. Five of five in-silico tools predict a damaging effect of the variant on protein function. The variant allele was found at a frequency of 1.6e-05 in 251070 control chromosomes (gnomAD). c.1798C>T has been reported in the literature in multiple compound heterozygous individuals affected with PLA2G6-associated neurodegeneration (Illingworth_2014, Jain_2019, Altuame_2020). Additionally, this variant was found in three affected siblings and co-segregated with disease (Toth-Bencsik_2021). These data indicate that the variant is very likely to be associated with disease. To our knowledge, no experimental evidence demonstrating an impact on protein function has been reported. Another missense variant (p.Arg600Gln) at the same residue was found in patients with Infantile neuroaxonal dystrophy (Kapoor_2016, HGMD database) and has been classified as likely pathogenic/pathogenic in ClinVar, suggesting that it is a clinically significant residue. One ClinVar submitter (evaluation after 2014) cites the variant as likely pathogenic. Based on the evidence outlined above, the variant was classified as pathogenic.

Juno Genomics, Hangzhou Juno Genomics, Inc
Classification: Pathogenic for Infantile neuroaxonal dystrophy; Neurodegeneration with brain iron accumulation 2B; Autosomal recessive Parkinson disease 14. Review status: criteria provided, single submitter. Criteria: ACMG Guidelines, 2015. Collection method: clinical testing. Allele origin: germline.
Comment: Absent from controls (or at extremely low frequency if recessive) in Genome Aggregation Database.;Multiple lines of computational evidence support a deleterious effect on the gene or gene product.;For recessive disorders, detected in trans with a pathogenic variant.;Patient's phenotype or family history is highly specific for a disease with a single genetic etiology.;Co-segregation with disease in multiple affected family members.;Novel missense change at an amino acid residue where a different missense change determined to be pathogenic has been seen before.

Literature cited by the submitters: PubMed 24745848 (cited by Labcorp Genetics (formerly Invitae), Labcorp and Women's Health and Genetics/Laboratory Corporation of America, LabCorp); PubMed 31516627 (cited by Labcorp Genetics (formerly Invitae), Labcorp and Women's Health and Genetics/Laboratory Corporation of America, LabCorp); PubMed 34168672 (cited by Labcorp Genetics (formerly Invitae), Labcorp and Women's Health and Genetics/Laboratory Corporation of America, LabCorp); PubMed 20619503 (cited by Labcorp Genetics (formerly Invitae), Labcorp); PubMed 26668131 (cited by Labcorp Genetics (formerly Invitae), Labcorp); PubMed 33619735 (cited by Labcorp Genetics (formerly Invitae), Labcorp); PubMed 27196560 (cited by Women's Health and Genetics/Laboratory Corporation of America, LabCorp); PubMed 32357911 (cited by Women's Health and Genetics/Laboratory Corporation of America, LabCorp); PubMed 27081553 (cited by Women's Health and Genetics/Laboratory Corporation of America, LabCorp).

NM_003560.4(PLA2G6):c.1798C>T (p.Arg600Trp)

Gene: PLA2G6 (phospholipase A2 group VI; minus strand). Cytogenetic location: 22q13.1.
Variant type: single nucleotide variant.
Coding change: c.1798C>T on transcript NM_003560.4 (MANE Select); coding-DNA position 1798, C replaced by T.
Protein change: p.Arg600Trp; replaces arginine 600 with tryptophan.
Molecular consequence: missense variant.
Genome position (GRCh38, 1-based): chr22:38,116,156, G>A on the plus strand (C>T on the coding strand, the complement: PLA2G6 is on the minus strand). VCF-style: chr22-38116156-G-A. GRCh37 (hg19) VCF-style: chr22-38512163-G-A.
Other names: NM_003560.4(PLA2G6):c.1798C>T; p.Arg600Trp; c.1636C>T, p.Arg546Trp (NM_001004426.3, NM_001199562.3, NM_001349865.2 and 1 more transcripts); c.1798C>T, p.Arg600Trp (NM_001349864.2); c.1264C>T, p.Arg422Trp (NM_001349867.2); c.1120C>T, p.Arg374Trp (NM_001349868.2); c.1102C>T, p.Arg368Trp (NM_001349869.2); short protein forms R368W, R374W, R422W, R546W, R600W.
Identifiers: ClinVar variation 1197568 (VCV001197568.12), dbSNP rs368008077, ClinGen allele CA10230715.